The following is an entry in ClinVar:

ClinVar aggregate classification (germline): Uncertain significance. Review status: criteria provided, multiple submitters, no conflicts (2 of 4 stars). 4 submissions from 4 submitters: Uncertain significance (4). Last evaluated 2025-09-04.

Conditions:
Hereditary cancer-predisposing syndrome. Also called: Neoplastic Syndromes, Hereditary; Tumor predisposition; Hereditary Cancer Syndrome; Hereditary neoplastic syndrome. Identifiers: Orphanet 140162, MedGen C0027672, MeSH D009386, MONDO:0015356.
Familial cancer of breast. Also called: BREAST CANCER, FAMILIAL; hereditary breast carcinoma; Hereditary breast cancer. Identifiers: Orphanet 227535, MedGen C0346153, MONDO:0016419, OMIM 114480. Disease mechanism: loss of function.

Allele frequency attached by ClinVar (database versions not stated): gnomAD exomes below 0.00001; TOPMed below 0.00001.
gnomAD v4.1: 1 of 1,614,112 alleles (0.000062%); highest among the groups gnomAD compares: Admixed American, 0.0017%; no homozygotes.

Submissions (4):

Labcorp Genetics (formerly Invitae), Labcorp
Classification: Uncertain significance for Familial cancer of breast. Last evaluated: 2025-09-04. Review status: criteria provided, single submitter. Criteria: Invitae Variant Classification Sherloc (09022015). Collection method: clinical testing. Allele origin: germline.
Comment: This sequence change replaces tyrosine, which is neutral and polar, with aspartic acid, which is acidic and polar, at codon 409 of the PALB2 protein (p.Tyr409Asp). This variant is not present in population databases (gnomAD no frequency). This variant has not been reported in the literature in individuals affected with PALB2-related conditions. ClinVar contains an entry for this variant (Variation ID: 1754206). Invitae Evidence Modeling of protein sequence and biophysical properties (such as structural, functional, and spatial information, amino acid conservation, physicochemical variation, residue mobility, and thermodynamic stability) indicates that this missense variant is expected to disrupt PALB2 protein function with a positive predictive value of 80%. In summary, the available evidence is currently insufficient to determine the role of this variant in disease. Therefore, it has been classified as a Variant of Uncertain Significance.

Laboratorio de I+D, Fundación Centro Médico de Asturias
Classification: Uncertain significance for Hereditary cancer-predisposing syndrome. Last evaluated: 2025-07-13. Review status: criteria provided, single submitter. Criteria: ACMG Guidelines, 2015. Collection method: clinical testing. Allele origin: germline.
Comment: PM2_Supporting+BP1

Ambry Genetics
Classification: Uncertain significance for Hereditary cancer-predisposing syndrome. Last evaluated: 2024-07-05. Review status: criteria provided, single submitter. Criteria: Ambry Variant Classification Scheme 2023. Collection method: clinical testing. Allele origin: germline.
Comment: The p.Y409D variant (also known as c.1225T>G), located in coding exon 4 of the PALB2 gene, results from a T to G substitution at nucleotide position 1225. The tyrosine at codon 409 is replaced by aspartic acid, an amino acid with highly dissimilar properties. This amino acid position is highly conserved in available vertebrate species. In addition, this alteration is predicted to be deleterious by in silico analysis. Based on the available evidence, the clinical significance of this variant remains unclear.

Color Diagnostics, LLC DBA Color Health
Classification: Uncertain significance for Hereditary cancer-predisposing syndrome. Last evaluated: 2024-01-02. Review status: criteria provided, single submitter. Criteria: ACMG Guidelines, 2015. Collection method: clinical testing. Allele origin: germline.
Comment: This missense variant replaces tyrosine with aspartic acid at codon 409 of the PALB2 protein. Computational prediction suggests that this variant may not impact protein structure and function (internally defined REVEL score threshold <= 0.5, PMID: 27666373). To our knowledge, functional studies have not been reported for this variant. This variant has not been reported in individuals affected with PALB2-related disorders in the literature. This variant has not been identified in the general population by the Genome Aggregation Database (gnomAD). The available evidence is insufficient to determine the role of this variant in disease conclusively. Therefore, this variant is classified as a Variant of Uncertain Significance.

NM_024675.4(PALB2):c.1225T>G (p.Tyr409Asp)

Gene: PALB2 (partner and localizer of BRCA2; minus strand). Cytogenetic location: 16p12.2.
Variant type: single nucleotide variant.
Coding change: c.1225T>G on transcript NM_024675.4 (MANE Select); coding-DNA position 1225, T replaced by G.
Protein change: p.Tyr409Asp; replaces tyrosine 409 with aspartic acid.
Molecular consequence: missense variant.
Genome position (GRCh38, 1-based): chr16:23,635,321, A>C on the plus strand (T>G on the coding strand, the complement: PALB2 is on the minus strand). VCF-style: chr16-23635321-A-C. GRCh37 (hg19) VCF-style: chr16-23646642-A-C.
Other names: c.1165T>G, p.Tyr389Asp (NM_001407296.1); c.1225T>G, p.Tyr409Asp (NM_001407297.1, NM_001407298.1, NM_001407299.1 and 3 more transcripts); c.340T>G, p.Tyr114Asp (NM_001407304.1, NM_001407305.1, NM_001407306.1 and 5 more transcripts); short protein forms Y409D, Y114D, Y389D.
Identifiers: ClinVar variation 1754206 (VCV001754206.10), dbSNP rs1064793222, ClinGen allele CA395133100.